The following is an entry in ClinVar:

ClinVar aggregate classification (germline): Uncertain significance. Review status: criteria provided, multiple submitters, no conflicts (2 of 4 stars). 3 submissions from 3 submitters: Uncertain significance (3). Last evaluated 2025-01-18.

Conditions:
Inborn genetic diseases. Identifiers: MedGen C0950123, MeSH D030342.
Charcot-Marie-Tooth disease axonal type 2P. Also called: CHARCOT-MARIE-TOOTH DISEASE, AXONAL, TYPE 2G; CMT 2G; CHARCOT-MARIE-TOOTH NEUROPATHY, TYPE 2P; Charcot-Marie-Tooth Neuropathy Type 2G. Identifiers: Orphanet 300319, Orphanet 99941, MedGen C3280797, MONDO:0013753, OMIM 614436.

Allele frequency attached by ClinVar (database versions not stated): gnomAD exomes below 0.00001; TOPMed below 0.00001; gnomAD 0.00001.
gnomAD v4.1: 2 of 1,613,998 alleles (0.00012%); highest among the groups gnomAD compares: African/African-American, 0.0013%; no homozygotes.

Submissions (3):

Ambry Genetics
Classification: Uncertain significance for Inborn genetic diseases. Last evaluated: 2025-01-18. Review status: criteria provided, single submitter. Criteria: Ambry Variant Classification Scheme 2023. Collection method: clinical testing. Allele origin: germline.

GeneDx
Classification: Uncertain significance. Last evaluated: 2024-05-01. Review status: criteria provided, single submitter. Criteria: GeneDx Variant Classification Process June 2021. Collection method: clinical testing. Allele origin: germline. Affected: yes.
Comment: Not observed at significant frequency in large population cohorts (gnomAD); In silico analysis indicates that this missense variant does not alter protein structure/function; Has not been previously published as pathogenic or benign to our knowledge

Labcorp Genetics (formerly Invitae), Labcorp
Classification: Uncertain significance for Charcot-Marie-Tooth disease axonal type 2P. Last evaluated: 2021-12-13. Review status: criteria provided, single submitter. Criteria: Invitae Variant Classification Sherloc (09022015). Collection method: clinical testing. Allele origin: germline.
Comment: In summary, the available evidence is currently insufficient to determine the role of this variant in disease. Therefore, it has been classified as a Variant of Uncertain Significance. Algorithms developed to predict the effect of missense changes on protein structure and function are either unavailable or do not agree on the potential impact of this missense change (SIFT: "Deleterious"; PolyPhen-2: "Benign"; Align-GVGD: "Class C25"). This variant has not been reported in the literature in individuals affected with LRSAM1-related conditions. This variant is not present in population databases (gnomAD no frequency). This sequence change replaces glutamine, which is neutral and polar, with glutamic acid, which is acidic and polar, at codon 390 of the LRSAM1 protein (p.Gln390Glu).

NM_001005373.4(LRSAM1):c.1168C>G (p.Gln390Glu)

Gene: LRSAM1 (leucine rich repeat and sterile alpha motif containing 1; plus strand). Cytogenetic location: 9q33.3.
Variant type: single nucleotide variant.
Coding change: c.1168C>G on transcript NM_001005373.4 (MANE Select); coding-DNA position 1168, C replaced by G.
Protein change: p.Gln390Glu; replaces glutamine 390 with glutamic acid.
Molecular consequence: missense variant. On other transcripts: non-coding transcript variant (2).
Genome position (GRCh38, 1-based): chr9:127,485,744, C>G. VCF-style: chr9-127485744-C-G. GRCh37 (hg19) VCF-style: chr9-130248023-C-G.
Other names: c.1168C>G, p.Gln390Glu (NM_001005374.4, NM_001190723.3, NM_001384142.1 and 2 more transcripts); c.379C>G, p.Gln127Glu (NM_001384144.1); short protein forms Q127E, Q390E.
Identifiers: ClinVar variation 1361865 (VCV001361865.10), dbSNP rs1258411555, ClinGen allele CA374932182.
Genomic context (GRCh38, chr9:127,485,744, plus strand): 5'-TGCCCCAGGAGCAGCCACTCCACTCAGCTGTCCCCACCTCATGTTCCCACAGCCGCCATG[C>G]AGCAGATGCTGACTGAGAGCTGTAAGAACCGGCTCATCCAGATGGCCTACGAATCTCAGA-3'
Protein context (NP_001005373.1, residues 380-400): LRRRDVASAM[Gln390Glu]QMLTESCKNR